The following is an entry in ClinVar:

NM_001256545.2(MEGF10):c.1169del (p.Gly390fs)

Gene: MEGF10 (multiple EGF like domains 10; plus strand). Cytogenetic location: 5q23.2.
Variant type: Deletion.
Coding change: c.1169del on transcript NM_001256545.2 (MANE Select); coding-DNA position 1169, one base deleted (G; older notation c.1169delG).
Protein change: p.Gly390fs; shifts the reading frame from glycine 390.
Molecular consequence: frameshift variant.
Genome position (GRCh38, 1-based): chr5:127,417,676, G deleted; the last of 3 consecutive G bases (chr5:127,417,674-127,417,676); deleting any one gives the same sequence. VCF-style (leftmost placement, unchanged base first): chr5-127417673-CG-C. GRCh37 (hg19) VCF-style: chr5-126753365-CG-C.
Other names: c.1169del, p.Gly390fs (NM_001308119.2, NM_001308121.2, NM_032446.3); short protein forms G390fs.
Identifiers: ClinVar variation 2114793 (VCV002114793.4), dbSNP rs2479702385, ClinGen allele CA2580072580.

ClinVar aggregate classification (germline): Pathogenic (1 of 4 stars; one submission).

Conditions:
MEGF10-related myopathy (CMYO10A). Also called: Congenital myopathy 10A, severe variant. Identifiers: Orphanet 439212, MedGen C3280679, MONDO:0013731, OMIM 614399.

Submission:

Labcorp Genetics (formerly Invitae), Labcorp
Classification: Pathogenic for MEGF10-related myopathy. Last evaluated: 2022-05-12. Review status: criteria provided, single submitter. Criteria: Invitae Variant Classification Sherloc (09022015). Collection method: clinical testing. Allele origin: germline.
Comment: For these reasons, this variant has been classified as Pathogenic. This variant has not been reported in the literature in individuals affected with MEGF10-related conditions. This variant is not present in population databases (gnomAD no frequency). This sequence change creates a premature translational stop signal (p.Gly390Alafs*35) in the MEGF10 gene. It is expected to result in an absent or disrupted protein product. Loss-of-function variants in MEGF10 are known to be pathogenic (PMID: 22101682, 22371254, 23453856, 23954233).

Literature cited by the submitters: PubMed 22101682; PubMed 22371254; PubMed 23453856; PubMed 23954233.